The following is an entry in ClinVar:

NM_001365999.1(SZT2):c.9880C>T (p.Arg3294Trp)

Genes: SZT2 (SZT2 subunit of KICSTOR complex; plus strand), SZT2-AS1 (SZT2 antisense RNA 1; minus strand). Cytogenetic location: 1p34.2.
Variant type: single nucleotide variant.
Coding change: c.9880C>T on transcript NM_001365999.1 (MANE Select); coding-DNA position 9880, C replaced by T.
Protein change: p.Arg3294Trp; replaces arginine 3294 with tryptophan.
Molecular consequence: missense variant. On other transcripts: non-coding transcript variant (1).
Genome position (GRCh38, 1-based): chr1:43,448,395, C>T. VCF-style: chr1-43448395-C-T. GRCh37 (hg19) VCF-style: chr1-43914066-C-T.
Other names: c.9709C>T, p.Arg3237Trp (NM_015284.4); short protein forms R3237W, R3294W.
Identifiers: ClinVar variation 588266 (VCV000588266.18), dbSNP rs199787819, ClinGen allele CA811025.

ClinVar aggregate classification (germline): Uncertain significance. Review status: criteria provided, multiple submitters, no conflicts (2 of 4 stars). 6 submissions from 6 submitters: Uncertain significance (6). Last evaluated 2026-01-26.

Conditions:
Developmental and epileptic encephalopathy, 18 (DEE18). Also called: Early infantile epileptic encephalopathy 18. Identifiers: Orphanet 369894, MedGen C3809624, MONDO:0014201, OMIM 615476.
Inborn genetic diseases. Identifiers: MedGen C0950123, MeSH D030342.

Allele frequency attached by ClinVar (database versions not stated): gnomAD 0.00004 and 0.00009; TOPMed 0.00004; gnomAD exomes 0.00007 and 0.00014; ESP Exome Variant Server 0.00016; ExAC 0.00032; 1000 Genomes Project 30x 0.00062; 1000 Genomes Project 0.00080.
gnomAD v4.1: 110 of 1,573,180 alleles (0.007%); highest among the groups gnomAD compares: East Asian, 0.064%; no homozygotes.

Submissions (6):

Labcorp Genetics (formerly Invitae), Labcorp
Classification: Uncertain significance. Last evaluated: 2026-01-26. Review status: criteria provided, single submitter. Criteria: Invitae Variant Classification Sherloc (09022015). Collection method: clinical testing. Allele origin: germline.
Comment: This sequence change replaces arginine, which is basic and polar, with tryptophan, which is neutral and slightly polar, at codon 3237 of the SZT2 protein (p.Arg3237Trp). This variant is present in population databases (rs199787819, gnomAD 0.1%). This variant has not been reported in the literature in individuals affected with SZT2-related conditions. ClinVar contains an entry for this variant (Variation ID: 588266). Invitae Evidence Modeling of protein sequence and biophysical properties (such as structural, functional, and spatial information, amino acid conservation, physicochemical variation, residue mobility, and thermodynamic stability) indicates that this missense variant is not expected to disrupt SZT2 protein function with a negative predictive value of 80%. In summary, the available evidence is currently insufficient to determine the role of this variant in disease. Therefore, it has been classified as a Variant of Uncertain Significance.

Women's Health and Genetics/Laboratory Corporation of America, LabCorp
Classification: Uncertain significance. Last evaluated: 2025-11-19. Review status: criteria provided, single submitter. Criteria: LabCorp Variant Classification Summary - May 2015. Collection method: clinical testing. Allele origin: germline.
Comment: Variant summary: SZT2 c.9709C>T (p.Arg3237Trp) results in a non-conservative amino acid change in the encoded protein sequence. Algorithms developed to predict the effect of missense changes on protein structure and function are either unavailable or do not agree on the potential impact of this missense change. The variant allele was found at a frequency of 0.00014 in 184660 control chromosomes. This frequency is not significantly higher than estimated for disease-causing variants in SZT2, allowing no conclusion about variant significance. To our knowledge, no occurrence of c.9709C>T in individuals affected with SZT2-related conditions and no experimental evidence demonstrating its impact on protein function have been reported. ClinVar contains an entry for this variant (Variation ID: 588266). Based on the evidence outlined above, the variant was classified as uncertain significance.

Genome-Nilou Lab
Classification: Uncertain significance for Developmental and epileptic encephalopathy, 18. Last evaluated: 2023-04-11. Review status: criteria provided, single submitter. Criteria: ACMG Guidelines, 2015. Collection method: clinical testing. Allele origin: germline. Affected: no.

Fulgent Genetics
Classification: Uncertain significance for Developmental and epileptic encephalopathy, 18. Last evaluated: 2022-01-26. Review status: criteria provided, single submitter. Criteria: ACMG Guidelines, 2015. Collection method: clinical testing. Allele origin: unknown.

GeneDx
Classification: Uncertain significance. Last evaluated: 2019-07-22. Review status: criteria provided, single submitter. Criteria: GeneDx Variant Classification Process June 2021. Collection method: clinical testing. Allele origin: germline. Affected: yes.
Comment: In silico analysis, which includes protein predictors and evolutionary conservation, supports a deleterious effect; Has not been previously published as pathogenic or benign to our knowledge

Ambry Genetics
Classification: Uncertain significance for Inborn genetic diseases. Last evaluated: 2018-05-08. Review status: criteria provided, single submitter. Criteria: Ambry Variant Classification Scheme 2023. Collection method: clinical testing. Allele origin: germline.
Comment: The p.R3237W variant (also known as c.9709C>T), located in coding exon 68 of the SZT2 gene, results from a C to T substitution at nucleotide position 9709. The arginine at codon 3237 is replaced by tryptophan, an amino acid with dissimilar properties. This amino acid position is not well conserved in available vertebrate species. In addition, this alteration is predicted to be tolerated by in silico analysis. Since supporting evidence is limited at this time, the clinical significance of this alteration remains unclear.